The following is an entry in ClinVar:

ClinVar aggregate classification (germline): Uncertain significance (1 of 4 stars; one submission).

Submission:

GeneDx
Classification: Uncertain significance. Last evaluated: 2025-05-23. Review status: criteria provided, single submitter. Criteria: GeneDx Variant Classification Process June 2021. Collection method: clinical testing. Allele origin: germline. Affected: yes.
Comment: Not observed at significant frequency in large population cohorts (gnomAD); In silico analysis supports that this missense variant has a deleterious effect on protein structure/function; Has not been previously published as pathogenic or benign to our knowledge

NM_001289104.2(PRKCSH):c.1284C>G (p.Asn428Lys)

Gene: PRKCSH (PRKCSH beta subunit of glucosidase II; plus strand). Cytogenetic location: 19p13.2.
Variant type: single nucleotide variant.
Coding change: c.1284C>G on transcript NM_001289104.2 (MANE Select); coding-DNA position 1284, C replaced by G.
Protein change: p.Asn428Lys; replaces asparagine 428 with lysine.
Molecular consequence: missense variant.
Genome position (GRCh38, 1-based): chr19:11,448,627, C>G. VCF-style: chr19-11448627-C-G. GRCh37 (hg19) VCF-style: chr19-11559442-C-G.
Other names: c.1254C>G, p.Asn418Lys (NM_001001329.3, NM_001289102.2, NM_001379609.1); c.1284C>G, p.Asn428Lys (NM_001289103.2); c.1263C>G, p.Asn421Lys (NM_001379608.1, NM_002743.3); short protein forms N418K, N421K, N428K.
Identifiers: ClinVar variation 4531153 (VCV004531153.1).